The following is an entry in ClinVar:

NM_000059.4(BRCA2):c.7835del (p.Pro2612fs)

Gene: BRCA2 (BRCA2 DNA repair associated; plus strand). Cytogenetic location: 13q13.1.
Variant type: Deletion.
Coding change: c.7835del on transcript NM_000059.4 (MANE Select); coding-DNA position 7835, one base deleted (C; older notation c.7835delC).
Protein change: p.Pro2612fs; shifts the reading frame from proline 2612.
Molecular consequence: frameshift variant.
Genome position (GRCh38, 1-based): chr13:32,362,552, C deleted; the last of 2 consecutive C bases (chr13:32,362,551-32,362,552); deleting either gives the same sequence. VCF-style (leftmost placement, unchanged base first): chr13-32362550-TC-T. GRCh37 (hg19) VCF-style: chr13-32936687-TC-T.
Other names: c.7835delC (NM_000059.3); short protein forms P2612fs.
Identifiers: ClinVar variation 4294277 (VCV004294277.2).

ClinVar aggregate classification (germline): Pathogenic. Review status: criteria provided, multiple submitters, no conflicts (2 of 4 stars). 2 submissions from 2 submitters: Pathogenic (2). Last evaluated 2025-10-23.

Conditions:
Breast-ovarian cancer, familial, susceptibility to, 2 (BROVCA2). Also called: BRCA2 Hereditary Breast and Ovarian Cancer. Identifiers: Orphanet 145, MedGen C2675520, MONDO:0012933, OMIM 612555. Disease mechanism: loss of function.
Hereditary cancer-predisposing syndrome. Also called: Tumor predisposition; Hereditary Cancer Syndrome; Neoplastic Syndromes, Hereditary; Hereditary neoplastic syndrome. Identifiers: Orphanet 140162, MedGen C0027672, MeSH D009386, MONDO:0015356.

Submissions (2):

Ambry Genetics
Classification: Pathogenic for Hereditary cancer-predisposing syndrome. Last evaluated: 2025-10-23. Review status: criteria provided, single submitter. Criteria: Ambry Variant Classification Scheme 2023. Collection method: clinical testing. Allele origin: germline.
Comment: The c.7835delC pathogenic mutation, located in coding exon 16 of the BRCA2 gene, results from a deletion of one nucleotide at nucleotide position 7835, causing a translational frameshift with a predicted alternate stop codon (p.P2612Qfs*36). This variant is considered to be rare based on population cohorts in the Genome Aggregation Database (gnomAD). This alteration is expected to result in loss of function by premature protein truncation or nonsense-mediated mRNA decay. As such, this alteration is interpreted as a disease-causing mutation.

Myriad Genetics, Inc.
Classification: Pathogenic for Breast-ovarian cancer, familial, susceptibility to, 2. Last evaluated: 2025-09-24. Review status: criteria provided, single submitter. Criteria: Myriad Autosomal Dominant, Autosomal Recessive and X-Linked Classification Criteria (2023). Collection method: clinical testing. Allele origin: unknown.
Comment: This variant is considered pathogenic. This variant creates a frameshift predicted to result in premature protein truncation.